The following is an entry in ClinVar:

NM_001048174.2(MUTYH):c.1117C>T (p.Leu373=)

Gene: MUTYH (mutY DNA glycosylase; minus strand). Cytogenetic location: 1p34.1.
Variant type: single nucleotide variant.
Coding change: c.1117C>T on transcript NM_001048174.2 (MANE Select); coding-DNA position 1117, C replaced by T.
Protein change: p.Leu373=; no amino-acid change (leucine 373 retained).
Molecular consequence: synonymous variant. On other transcripts: non-coding transcript variant (2).
Genome position (GRCh38, 1-based): chr1:45,331,542, G>A on the plus strand (C>T on the coding strand, the complement: MUTYH is on the minus strand). VCF-style: chr1-45331542-G-A. GRCh37 (hg19) VCF-style: chr1-45797214-G-A.
Other names: c.1117C>T, p.Leu373= (NM_001048171.2, NM_001048173.2, NM_001293195.2); c.1120C>T, p.Leu374= (NM_001048172.2); c.1201C>T, p.Leu401= (NM_001128425.2); c.1162C>T, p.Leu388= (NM_001293190.2); c.1150C>T, p.Leu384= (NM_001293191.2); c.841C>T, p.Leu281= (NM_001293192.2, NM_001293196.2); c.772C>T, p.Leu258= (NM_001350650.2, NM_001350651.2); c.1192C>T, p.Leu398= (NM_012222.3).
Identifiers: ClinVar variation 702646 (VCV000702646.15), dbSNP rs1060501334, ClinGen allele CA417879903.

ClinVar aggregate classification (germline): Likely benign. Review status: criteria provided, multiple submitters, no conflicts (2 of 4 stars). 4 submissions from 4 submitters: Likely benign (4). Last evaluated 2025-08-09.

Conditions:
Hereditary cancer-predisposing syndrome. Also called: Hereditary Cancer Syndrome; Neoplastic Syndromes, Hereditary; Tumor predisposition; Hereditary neoplastic syndrome. Identifiers: Orphanet 140162, MedGen C0027672, MeSH D009386, MONDO:0015356.
Familial adenomatous polyposis 2. Also called: MUTYH-associated polyposis; MUTYH-related attenuated familial adenomatous polyposis; Adenomas, multiple colorectal; MYH-associated polyposis; FAP type 2; COLORECTAL ADENOMATOUS POLYPOSIS, AUTOSOMAL RECESSIVE. Identifiers: Orphanet 220460, Orphanet 247798, MedGen C3272841, MONDO:0012041, OMIM 608456.

Submissions (4):

Labcorp Genetics (formerly Invitae), Labcorp
Classification: Likely benign for Familial adenomatous polyposis 2. Last evaluated: 2025-08-09. Review status: criteria provided, single submitter. Criteria: Invitae Variant Classification Sherloc (09022015). Collection method: clinical testing. Allele origin: germline.

All of Us Research Program, National Institutes of Health
Classification: Likely benign for Familial adenomatous polyposis 2. Last evaluated: 2024-06-09. Review status: criteria provided, single submitter. Criteria: ACMG Guidelines, 2015. Collection method: clinical testing. Allele origin: germline. Inheritance: Autosomal recessive inheritance. Observed: 1 variant allele, 1 heterozygote.
Comment: This study involves interpretation of variants in research participants for the purpose of population health screening. Participant phenotype was not available at the time of variant classification. Additional details can be found in publication PMID: 35346344, PMCID: PMC8962531

Ambry Genetics
Classification: Likely benign for Hereditary cancer-predisposing syndrome. Last evaluated: 2019-06-14. Review status: criteria provided, single submitter. Criteria: Ambry Variant Classification Scheme 2023. Collection method: clinical testing. Allele origin: germline.

Color Diagnostics, LLC DBA Color Health
Classification: Likely benign for Hereditary cancer-predisposing syndrome. Last evaluated: 2017-07-17. Review status: criteria provided, single submitter. Criteria: ACMG Guidelines, 2015. Collection method: clinical testing. Allele origin: germline.